The following is an entry in ClinVar:

NM_001004334.4(GPR179):c.6120del (p.Ser2041fs)

Gene: GPR179 (G protein-coupled receptor 179; minus strand). Cytogenetic location: 17q12.
Variant type: Deletion.
Coding change: c.6120del on transcript NM_001004334.4 (MANE Select); coding-DNA position 6120, one base deleted (C; older notation c.6120delC).
Protein change: p.Ser2041fs; shifts the reading frame from serine 2041.
Molecular consequence: frameshift variant.
Genome position (GRCh38, 1-based): chr17:38,327,449, G deleted on the plus strand (C on the coding strand, the reverse complement: GPR179 is on the minus strand). VCF-style (leftmost placement, unchanged base first): chr17-38327448-AG-A. GRCh37 (hg19) VCF-style: chr17-36483331-AG-A.
Other names: short protein forms S2041fs.
Identifiers: ClinVar variation 1929029 (VCV001929029.3), dbSNP rs1046248769, ClinGen allele CA290103100.

ClinVar aggregate classification (germline): Uncertain significance. Review status: criteria provided, multiple submitters, no conflicts (2 of 4 stars). 2 submissions from 2 submitters: Uncertain significance (2). Last evaluated 2021-12-21.

Allele frequency attached by ClinVar (database versions not stated): gnomAD 0.00001; gnomAD exomes 0.00001; TOPMed 0.00001.

Submissions (2):

Labcorp Genetics (formerly Invitae), Labcorp
Classification: Uncertain significance. Last evaluated: 2021-12-21. Review status: criteria provided, single submitter. Criteria: Invitae Variant Classification Sherloc (09022015). Collection method: clinical testing. Allele origin: germline.
Comment: This sequence change creates a premature translational stop signal (p.Ser2041Leufs*71) in the GPR179 gene. While this is not anticipated to result in nonsense mediated decay, it is expected to disrupt the last 327 amino acid(s) of the GPR179 protein. This variant is not present in population databases (gnomAD no frequency). This variant has not been reported in the literature in individuals affected with GPR179-related conditions. Experimental studies and prediction algorithms are not available or were not evaluated, and the functional significance of this variant is currently unknown. In summary, the available evidence is currently insufficient to determine the role of this variant in disease. Therefore, it has been classified as a Variant of Uncertain Significance.

Blueprint Genetics
Classification: Uncertain significance. Last evaluated: 2020-04-15. Review status: criteria provided, single submitter. Criteria: ACMG Guidelines, 2015. Collection method: clinical testing. Allele origin: germline.